The following is an entry in ClinVar:

NM_000018.4(ACADVL):c.1715C>T (p.Ala572Val)

Gene: ACADVL (acyl-CoA dehydrogenase very long chain; plus strand). Cytogenetic location: 17p13.1.
Variant type: single nucleotide variant.
Coding change: c.1715C>T on transcript NM_000018.4 (MANE Select); coding-DNA position 1715, C replaced by T.
Protein change: p.Ala572Val; replaces alanine 572 with valine.
Molecular consequence: missense variant.
Genome position (GRCh38, 1-based): chr17:7,224,678, C>T. VCF-style: chr17-7224678-C-T. GRCh37 (hg19) VCF-style: chr17-7127997-C-T.
Other names: c.1649C>T, p.Ala550Val (NM_001033859.3); c.1784C>T, p.Ala595Val (NM_001270447.2); c.1487C>T, p.Ala496Val (NM_001270448.2); short protein forms A496V, A550V, A572V, A595V.
Identifiers: ClinVar variation 3032516 (VCV003032516.2), dbSNP rs2508366794, ClinGen allele CA397725718.

ClinVar aggregate classification (germline): Uncertain significance (0 of 4 stars; one submission).

Conditions:
ACADVL-related disorder. Also called: ACADVL-related condition.

Submission:

PreventionGenetics, part of Exact Sciences
Classification: Uncertain significance for ACADVL-related condition. Last evaluated: 2023-12-15. Review status: no assertion criteria provided. Collection method: clinical testing. Allele origin: germline.
Comment: The ACADVL c.1715C>T variant is predicted to result in the amino acid substitution p.Ala572Val. To our knowledge, this variant has not been reported in the literature or in a large population database, indicating this variant is rare. At this time, the clinical significance of this variant is uncertain due to the absence of conclusive functional and genetic evidence.